The following is an entry in ClinVar:

NM_004168.4(SDHA):c.1379T>C (p.Leu460Pro)

Gene: SDHA (succinate dehydrogenase complex flavoprotein subunit A; plus strand). Cytogenetic location: 5p15.33.
Variant type: single nucleotide variant.
Coding change: c.1379T>C on transcript NM_004168.4 (MANE Select); coding-DNA position 1379, T replaced by C.
Protein change: p.Leu460Pro; replaces leucine 460 with proline.
Molecular consequence: missense variant.
Genome position (GRCh38, 1-based): chr5:236,546, T>C. VCF-style: chr5-236546-T-C. GRCh37 (hg19) VCF-style: chr5-236661-T-C.
Other names: c.1235T>C, p.Leu412Pro (NM_001294332.2); c.1379T>C, p.Leu460Pro (NM_001330758.2); short protein forms L460P, L412P.
Identifiers: ClinVar variation 4793136 (VCV004793136.1).
Genomic context (GRCh38, chr5:236,546, plus strand): 5'-AGGCCGCCTGTGCCTCGGTACATGGTGCCAACCGCCTCGGGGCAAACTCGCTCTTGGACC[T>C]GGTTGTCTTTGGTCGGGCATGTGCCCTGAGCATCGAAGAGTCATGCAGGCCTGGTAAGTG-3'
Protein context (NP_004159.2, residues 450-470): NRLGANSLLD[Leu460Pro]VVFGRACALS

ClinVar aggregate classification (germline): Uncertain significance (1 of 4 stars; one submission).

Conditions:
Mitochondrial complex II deficiency, nuclear type 1. Also called: SUCCINATE CoQ REDUCTASE DEFICIENCY. Identifiers: Orphanet 3208, MedGen C5700310, MONDO:0100294, OMIM 252011.
Pheochromocytoma/paraganglioma syndrome 5. Also called: Paragangliomas 5; SDHA-Related Hereditary Paraganglioma-Pheochromocytoma Syndrome. Identifiers: Orphanet 29072, MedGen C3279992, MONDO:0013602, OMIM 614165.

gnomAD v4.1: 1 of 1,614,062 alleles (0.000062%); highest among the groups gnomAD compares: Non-Finnish European, 0.000085%; no homozygotes.

Submission:

Labcorp Genetics (formerly Invitae), Labcorp
Classification: Uncertain significance for Pheochromocytoma/paraganglioma syndrome 5; Mitochondrial complex II deficiency, nuclear type 1. Last evaluated: 2025-05-06. Review status: criteria provided, single submitter. Criteria: Invitae Variant Classification Sherloc (09022015). Collection method: clinical testing. Allele origin: germline.
Comment: This sequence change replaces leucine, which is neutral and non-polar, with proline, which is neutral and non-polar, at codon 460 of the SDHA protein (p.Leu460Pro). This variant is not present in population databases (gnomAD no frequency). This variant has not been reported in the literature in individuals affected with SDHA-related conditions. Invitae Evidence Modeling of protein sequence and biophysical properties (such as structural, functional, and spatial information, amino acid conservation, physicochemical variation, residue mobility, and thermodynamic stability) has been performed for this missense variant. However, the output from this modeling did not meet the statistical confidence thresholds required to predict the impact of this variant on SDHA protein function. In summary, the available evidence is currently insufficient to determine the role of this variant in disease. Therefore, it has been classified as a Variant of Uncertain Significance.